The following is an entry in ClinVar:

NM_022124.6(CDH23):c.1637G>A (p.Arg546Gln)

Gene: CDH23 (cadherin related 23; plus strand). Cytogenetic location: 10q22.1.
Variant type: single nucleotide variant.
Coding change: c.1637G>A on transcript NM_022124.6 (MANE Select); coding-DNA position 1637, G replaced by A.
Protein change: p.Arg546Gln; replaces arginine 546 with glutamine.
Molecular consequence: missense variant.
Genome position (GRCh38, 1-based): chr10:71,677,578, G>A. VCF-style: chr10-71677578-G-A. GRCh37 (hg19) VCF-style: chr10-73437335-G-A.
Other names: c.1637G>A, p.Arg546Gln (NM_001171930.2, NM_001171931.2); short protein forms R546Q.
Identifiers: ClinVar variation 45879 (VCV000045879.20), dbSNP rs199508694, ClinGen allele CA137295.

ClinVar aggregate classification (germline): Conflicting classifications of pathogenicity. Review status: criteria provided, conflicting classifications (1 of 4 stars). 6 submissions from 6 submitters: Uncertain significance (3); Likely benign (1). 2 of the submissions do not count toward it. Last evaluated 2025-12-15.

Conditions:
Inborn genetic diseases. Identifiers: MedGen C0950123, MeSH D030342.
CDH23-related disorder. Also called: CDH23-related condition; CDH23-related disorders.
Usher syndrome type 1 (USH1). Also called: RETINITIS PIGMENTOSA AND CONGENITAL DEAFNESS. Identifiers: Orphanet 231169, Orphanet 886, MedGen C1568247, MONDO:0010168, OMIM 276900.

Allele frequency attached by ClinVar (database versions not stated): 1000 Genomes Project 30x 0.00016; 1000 Genomes Project 0.00020; gnomAD 0.00025 and 0.00026; ESP Exome Variant Server 0.00031; TOPMed 0.00031.
gnomAD v4.1: 118 of 1,610,168 alleles (0.0073%); highest among the groups gnomAD compares: African/African-American, 0.088%; 1 homozygote.

Submissions (6):

Labcorp Genetics (formerly Invitae), Labcorp
Classification: Likely benign. Last evaluated: 2025-12-15. Review status: criteria provided, single submitter. Criteria: Invitae Variant Classification Sherloc (09022015). Collection method: clinical testing. Allele origin: germline.

Ambry Genetics
Classification: Uncertain significance for Inborn genetic diseases. Last evaluated: 2025-07-02. Review status: criteria provided, single submitter. Criteria: Ambry Variant Classification Scheme 2023. Collection method: clinical testing. Allele origin: germline.

GeneDx
Classification: Uncertain significance. Last evaluated: 2025-03-12. Review status: criteria provided, single submitter. Criteria: GeneDx Variant Classification Process June 2021. Collection method: clinical testing. Allele origin: germline. Affected: yes.
Comment: In silico analysis indicates that this missense variant does not alter protein structure/function; Has not been previously published as pathogenic or benign to our knowledge

Laboratory for Molecular Medicine, Mass General Brigham Personalized Medicine
Classification: Uncertain significance. Last evaluated: 2012-07-30. Review status: criteria provided, single submitter. Criteria: LMM Criteria. Collection method: clinical testing. Allele origin: germline. Observed: 3 variant alleles.
Comment: The Arg546Gln variant in CDH23 has not been reported in the literature, but has now been identified in 2/36 Black or African American individuals with hearing l oss by our laboratory, neither of whom has a second CDH23 variant. In addition, this variant has been identified in 0.1% (4/4234) of African American chromosome s from a broad population by the NHLBI Exome Sequencing Project. However, this frequency is not enough to rule out a pathoge nic role. Computational analyses (biochemical amino acid properties, conservatio n, AlignGVGD, PolyPhen2, and SIFT) do not provide strong support for or against an impact to the protein. In summary, additional data is needed to determine the clinical significance of this variant.

PreventionGenetics, part of Exact Sciences
Classification: Uncertain significance for CDH23-related condition. Last evaluated: 2024-08-23. Review status: no assertion criteria provided. Collection method: clinical testing. Allele origin: germline. Not counted in ClinVar's aggregate classification.
Comment: The CDH23 c.1637G>A variant is predicted to result in the amino acid substitution p.Arg546Gln. To our knowledge, this variant has not been reported in the literature. This variant is reported in 0.069% of alleles in individuals of African descent in gnomAD, which may be too common to be an undocumented cause of disease. Although we suspect that this variant may be benign, at this time, the clinical significance of this variant is uncertain due to the absence of conclusive functional and genetic evidence.

Natera, Inc.
Classification: Uncertain significance for Usher syndrome type 1. Last evaluated: 2019-10-28. Review status: no assertion criteria provided. Collection method: clinical testing. Allele origin: germline. Not counted in ClinVar's aggregate classification.